The following is an entry in ClinVar:

NM_203447.4(DOCK8):c.6025C>T (p.His2009Tyr)

Gene: DOCK8 (dedicator of cytokinesis 8; plus strand). Cytogenetic location: 9p24.3.
Variant type: single nucleotide variant.
Coding change: c.6025C>T on transcript NM_203447.4 (MANE Select); coding-DNA position 6025, C replaced by T.
Protein change: p.His2009Tyr; replaces histidine 2009 with tyrosine.
Molecular consequence: missense variant.
Genome position (GRCh38, 1-based): chr9:452,074, C>T. VCF-style: chr9-452074-C-T. GRCh37 (hg19) VCF-style: chr9-452074-C-T.
Other names: c.5725C>T, p.His1909Tyr (NM_001190458.2); c.5821C>T, p.His1941Tyr (NM_001193536.2); short protein forms H1909Y, H1941Y, H2009Y.
Identifiers: ClinVar variation 1338036 (VCV001338036.6), dbSNP rs534366023, ClinGen allele CA4959648.

ClinVar aggregate classification (germline): Uncertain significance. Review status: criteria provided, multiple submitters, no conflicts (2 of 4 stars). 2 submissions from 2 submitters: Uncertain significance (2). Last evaluated 2025-10-13.

Conditions:
Combined immunodeficiency due to DOCK8 deficiency (HIES2). Also called: Hyper-IgE recurrent infection syndrome, autosomal recessive; HIES autosomal recessive; HYPER-IgE SYNDROME 2, AUTOSOMAL RECESSIVE, WITH RECURRENT INFECTIONS; HYPER-IgE RECURRENT INFECTION SYNDROME 2, AUTOSOMAL RECESSIVE; DOCK8 Deficiency. Identifiers: Orphanet 217390, MedGen C4722305, MONDO:0009478, OMIM 243700.

Allele frequency attached by ClinVar (database versions not stated): gnomAD exomes below 0.00001 and 0.00001; gnomAD 0.00001; ExAC 0.00002; TOPMed 0.00002; 1000 Genomes Project 30x 0.00016; 1000 Genomes Project 0.00020.
gnomAD v4.1: 5 of 1,601,946 alleles (0.00031%); highest among the groups gnomAD compares: East Asian, 0.009%; no homozygotes.

Submissions (2):

Labcorp Genetics (formerly Invitae), Labcorp
Classification: Uncertain significance for Combined immunodeficiency due to DOCK8 deficiency. Last evaluated: 2025-10-13. Review status: criteria provided, single submitter. Criteria: Invitae Variant Classification Sherloc (09022015). Collection method: clinical testing. Allele origin: germline.
Comment: This sequence change replaces histidine, which is basic and polar, with tyrosine, which is neutral and polar, at codon 2009 of the DOCK8 protein (p.His2009Tyr). This variant is present in population databases (rs534366023, gnomAD 0.02%). This variant has not been reported in the literature in individuals affected with DOCK8-related conditions. ClinVar contains an entry for this variant (Variation ID: 1338036). Invitae Evidence Modeling of protein sequence and biophysical properties (such as structural, functional, and spatial information, amino acid conservation, physicochemical variation, residue mobility, and thermodynamic stability) indicates that this missense variant is expected to disrupt DOCK8 protein function with a positive predictive value of 80%. In summary, the available evidence is currently insufficient to determine the role of this variant in disease. Therefore, it has been classified as a Variant of Uncertain Significance.

Genetic Services Laboratory, University of Chicago
Classification: Uncertain significance. Last evaluated: 2021-08-04. Review status: criteria provided, single submitter. Criteria: ACMG Guidelines, 2015. Collection method: clinical testing. Allele origin: germline. Affected: no.
Comment: DNA sequence analysis of the DOCK8 gene demonstrated a sequence change, c.6025C>T, in exon 46 that results in an amino acid change, p.His2009Tyr. This sequence change has been described in the gnomAD database with a frequency of 0.016% in the East Asian subpopulation (dbSNP rs534366023). The p.His2009Tyr change affects a highly conserved amino acid residue located in a domain of the DOCK8 protein that is known to be functional. In-silico pathogenicity prediction tools (SIFT, PolyPhen2, Align GVGD, REVEL) provide contradictory results for the p.His2009Tyr substitution. This sequence change does not appear to have been previously described in individuals with DOCK8-related disorders. Due to insufficient evidences and the lack of functional studies, the clinical significance of the p.His2009Tyr change remains unknown at this time.